The following is an entry in ClinVar:

NM_001942.4(DSG1):c.2988A>G (p.Ile996Met)

Genes: DSG1 (desmoglein 1; plus strand), DSG1-AS1 (DSG1 antisense RNA 1; minus strand). Cytogenetic location: 18q12.1.
Variant type: single nucleotide variant.
Coding change: c.2988A>G on transcript NM_001942.4 (MANE Select); coding-DNA position 2988, A replaced by G.
Protein change: p.Ile996Met; replaces isoleucine 996 with methionine.
Molecular consequence: missense variant.
Genome position (GRCh38, 1-based): chr18:31,355,184, A>G. VCF-style: chr18-31355184-A-G. GRCh37 (hg19) VCF-style: chr18-28935147-A-G.
Other names: c.2988A>G (NM_001942.2); short protein forms I996M.
Identifiers: ClinVar variation 1501849 (VCV001501849.7), dbSNP rs761375382, ClinGen allele CA8926494.

ClinVar aggregate classification (germline): Uncertain significance. Review status: criteria provided, multiple submitters, no conflicts (2 of 4 stars). 2 submissions from 2 submitters: Uncertain significance (2). Last evaluated 2025-02-25.

Conditions:
Inborn genetic diseases. Identifiers: MedGen C0950123, MeSH D030342.

Allele frequency attached by ClinVar (database versions not stated): TOPMed below 0.00001; gnomAD 0.00001; gnomAD exomes 0.00001; ExAC 0.00002.
gnomAD v4.1: 7 of 1,603,470 alleles (0.00044%); highest among the groups gnomAD compares: Admixed American, 0.0034%; no homozygotes.

Submissions (2):

Ambry Genetics
Classification: Uncertain significance for Inborn genetic diseases. Last evaluated: 2025-02-25. Review status: criteria provided, single submitter. Criteria: Ambry Variant Classification Scheme 2023. Collection method: clinical testing. Allele origin: germline.

Labcorp Genetics (formerly Invitae), Labcorp
Classification: Uncertain significance. Last evaluated: 2024-09-06. Review status: criteria provided, single submitter. Criteria: Invitae Variant Classification Sherloc (09022015). Collection method: clinical testing. Allele origin: germline.
Comment: This sequence change replaces isoleucine, which is neutral and non-polar, with methionine, which is neutral and non-polar, at codon 996 of the DSG1 protein (p.Ile996Met). This variant is present in population databases (rs761375382, gnomAD 0.004%). This variant has not been reported in the literature in individuals affected with DSG1-related conditions. ClinVar contains an entry for this variant (Variation ID: 1501849). An algorithm developed to predict the effect of missense changes on protein structure and function outputs the following: PolyPhen-2: "Benign". The methionine amino acid residue is found in multiple mammalian species, which suggests that this missense change does not adversely affect protein function. In summary, the available evidence is currently insufficient to determine the role of this variant in disease. Therefore, it has been classified as a Variant of Uncertain Significance.